The following is an entry in ClinVar:

ClinVar aggregate classification (germline): Uncertain significance (1 of 4 stars; one submission).

Submission:

Labcorp Genetics (formerly Invitae), Labcorp
Classification: Uncertain significance. Last evaluated: 2023-11-15. Review status: criteria provided, single submitter. Criteria: Invitae Variant Classification Sherloc (09022015). Collection method: clinical testing. Allele origin: germline.
Comment: This sequence change replaces lysine, which is basic and polar, with glutamic acid, which is acidic and polar, at codon 930 of the ATR protein (p.Lys930Glu). This variant is not present in population databases (gnomAD no frequency). This variant has not been reported in the literature in individuals affected with ATR-related conditions. An algorithm developed to predict the effect of missense changes on protein structure and function (PolyPhen-2) suggests that this variant is likely to be disruptive. In summary, the available evidence is currently insufficient to determine the role of this variant in disease. Therefore, it has been classified as a Variant of Uncertain Significance.

NM_001184.4(ATR):c.2788A>G (p.Lys930Glu)

Gene: ATR (ATR checkpoint kinase; minus strand). Cytogenetic location: 3q23.
Variant type: single nucleotide variant.
Coding change: c.2788A>G on transcript NM_001184.4 (MANE Select); coding-DNA position 2788, A replaced by G.
Protein change: p.Lys930Glu; replaces lysine 930 with glutamic acid.
Molecular consequence: missense variant.
Genome position (GRCh38, 1-based): chr3:142,553,244, T>C on the plus strand (A>G on the coding strand, the complement: ATR is on the minus strand). VCF-style: chr3-142553244-T-C. GRCh37 (hg19) VCF-style: chr3-142272086-T-C.
Other names: c.2596A>G, p.Lys866Glu (NM_001354579.2); short protein forms K866E, K930E.
Identifiers: ClinVar variation 2956241 (VCV002956241.3), dbSNP rs2473379478, ClinGen allele CA354814213.
Genomic context (GRCh38, chr3:142,553,244, plus strand): 5'-AGTACTGCTGTTGCCTATAGTCCAGACAAACGCTGACTCTTACCTGACAGATGGGTTTCT[T>C]ATACTGGCTGAAAAAACTTTGCAGTTTAACACTTTTAGCTGCAACCAGAGCTCTAATTTC-3'
Protein context (NP_001175.2, residues 920-940): VKLQSFFSQY[Lys930Glu]KPICQFLVES